The following is an entry in ClinVar:

NM_001039141.3(TRIOBP):c.2939C>T (p.Ser980Phe)

Gene: TRIOBP (TRIO and F-actin binding protein; plus strand). Cytogenetic location: 22q13.1.
Variant type: single nucleotide variant.
Coding change: c.2939C>T on transcript NM_001039141.3 (MANE Select); coding-DNA position 2939, C replaced by T.
Protein change: p.Ser980Phe; replaces serine 980 with phenylalanine.
Molecular consequence: missense variant.
Genome position (GRCh38, 1-based): chr22:37,725,495, C>T. VCF-style: chr22-37725495-C-T. GRCh37 (hg19) VCF-style: chr22-38121502-C-T.
Other names: short protein forms S980F.
Identifiers: ClinVar variation 1801159 (VCV001801159.5), dbSNP rs199673937, ClinGen allele CA10223985.

ClinVar aggregate classification (germline): Uncertain significance. Review status: criteria provided, multiple submitters, no conflicts (2 of 4 stars). 3 submissions from 3 submitters: Uncertain significance (3). Last evaluated 2026-05-26.

Conditions:
Inborn genetic diseases. Identifiers: MedGen C0950123, MeSH D030342.

Allele frequency attached by ClinVar (database versions not stated): 1000 Genomes Project 0.00020; ESP Exome Variant Server 0.00008; ExAC 0.00015; 1000 Genomes Project 30x 0.00031; TOPMed 0.00014; gnomAD exomes 0.00017.
gnomAD v4.1: 278 of 1,613,644 alleles (0.017%); highest among the groups gnomAD compares: Admixed American, 0.053%; no homozygotes.

Submissions (3):

GeneDx
Classification: Uncertain significance. Last evaluated: 2026-05-26. Review status: criteria provided, single submitter. Criteria: GeneDx Variant Classification Process June 2021. Collection method: clinical testing. Allele origin: germline.
Comment: In silico analysis suggests that this missense variant does not alter protein structure/function; Has not been previously published as pathogenic or benign to our knowledge

Labcorp Genetics (formerly Invitae), Labcorp
Classification: Uncertain significance. Last evaluated: 2022-05-03. Review status: criteria provided, single submitter. Criteria: Invitae Variant Classification Sherloc (09022015). Collection method: clinical testing. Allele origin: germline.
Comment: This sequence change replaces serine, which is neutral and polar, with phenylalanine, which is neutral and non-polar, at codon 980 of the TRIOBP protein (p.Ser980Phe). This variant is present in population databases (rs199673937, gnomAD 0.06%). This variant has not been reported in the literature in individuals affected with TRIOBP-related conditions. Algorithms developed to predict the effect of missense changes on protein structure and function are either unavailable or do not agree on the potential impact of this missense change (SIFT: "Deleterious"; PolyPhen-2: "Possibly Damaging"; Align-GVGD: "Class C0"). In summary, the available evidence is currently insufficient to determine the role of this variant in disease. Therefore, it has been classified as a Variant of Uncertain Significance.

Ambry Genetics
Classification: Uncertain significance for Inborn genetic diseases. Last evaluated: 2021-07-09. Review status: criteria provided, single submitter. Criteria: Ambry Variant Classification Scheme 2023. Collection method: clinical testing. Allele origin: germline.